The following is an entry in ClinVar:

NM_022168.4(IFIH1):c.2102T>A (p.Leu701Gln)

Gene: IFIH1 (interferon induced with helicase C domain 1; minus strand). Cytogenetic location: 2q24.2.
Variant type: single nucleotide variant.
Coding change: c.2102T>A on transcript NM_022168.4 (MANE Select); coding-DNA position 2102, T replaced by A.
Protein change: p.Leu701Gln; replaces leucine 701 with glutamine.
Molecular consequence: missense variant.
Genome position (GRCh38, 1-based): chr2:162,276,889, A>T on the plus strand (T>A on the coding strand, the complement: IFIH1 is on the minus strand). VCF-style: chr2-162276889-A-T. GRCh37 (hg19) VCF-style: chr2-163133399-A-T.
Other names: c.2102T>A (NM_022168.3); short protein forms L701Q.
Identifiers: ClinVar variation 2139468 (VCV002139468.6), dbSNP rs771889015, ClinGen allele CA1934292.

ClinVar aggregate classification (germline): Uncertain significance. Review status: criteria provided, multiple submitters, no conflicts (2 of 4 stars). 3 submissions from 3 submitters: Uncertain significance (3). Last evaluated 2025-07-08.

Conditions:
Aicardi-Goutieres syndrome 7 (AGS7). Identifiers: Orphanet 51, MedGen C3888244, MONDO:0014367, OMIM 615846.
Singleton-Merten syndrome 1 (SGMRT1). Also called: Widened medullary cavities of bone, aortic calcification, abnormal dentition, and muscular weakness; Syndrome of widened medullary cavities of the metacarpals and phalanges, aortic calcification and abnormal dentition. Identifiers: Orphanet 85191, MedGen C4225427, MONDO:0024535, OMIM 182250.

Allele frequency attached by ClinVar (database versions not stated): ExAC 0.00001.
gnomAD v4.1: 3 of 1,612,444 alleles (0.00019%); highest among the groups gnomAD compares: Non-Finnish European, 0.00025%; no homozygotes.

Submissions (3):

Labcorp Genetics (formerly Invitae), Labcorp
Classification: Uncertain significance for Aicardi-Goutieres syndrome 7; Singleton-Merten syndrome 1. Last evaluated: 2025-07-08. Review status: criteria provided, single submitter. Criteria: Invitae Variant Classification Sherloc (09022015). Collection method: clinical testing. Allele origin: germline.
Comment: This sequence change replaces leucine, which is neutral and non-polar, with glutamine, which is neutral and polar, at codon 701 of the IFIH1 protein (p.Leu701Gln). This variant is present in population databases (rs771889015, gnomAD 0.0009%). This variant has not been reported in the literature in individuals affected with IFIH1-related conditions. ClinVar contains an entry for this variant (Variation ID: 2139468). Invitae Evidence Modeling of protein sequence and biophysical properties (such as structural, functional, and spatial information, amino acid conservation, physicochemical variation, residue mobility, and thermodynamic stability) has been performed for this missense variant. However, the output from this modeling did not meet the statistical confidence thresholds required to predict the impact of this variant on IFIH1 protein function. In summary, the available evidence is currently insufficient to determine the role of this variant in disease. Therefore, it has been classified as a Variant of Uncertain Significance.

GeneDx
Classification: Uncertain significance. Last evaluated: 2025-03-10. Review status: criteria provided, single submitter. Criteria: GeneDx Variant Classification Process June 2021. Collection method: clinical testing. Allele origin: germline. Affected: yes.
Comment: Not observed at significant frequency in large population cohorts (gnomAD); In silico analysis supports that this missense variant has a deleterious effect on protein structure/function; Has not been previously published as pathogenic or benign to our knowledge

Blueprint Genetics
Classification: Uncertain significance. Last evaluated: 2023-02-02. Review status: criteria provided, single submitter. Criteria: ACMG Guidelines, 2015. Collection method: clinical testing. Allele origin: germline.